The following is an entry in ClinVar:

ClinVar aggregate classification (germline): Uncertain significance. Review status: criteria provided, single submitter (1 of 4 stars). 2 submissions from 2 submitters: Uncertain significance (1). 1 of the submissions does not count toward it. Last evaluated 2022-02-10.

Conditions:
Leber congenital amaurosis 13 (LCA13). Identifiers: MedGen C2675186, MONDO:0012990, OMIM 612712.
Leber congenital amaurosis (LCA). Also called: Leber's amaurosis. Identifiers: Orphanet 65, MedGen C0339527, MeSH D057130, MONDO:0018998.

Allele frequency attached by ClinVar (database versions not stated): gnomAD exomes below 0.00001.
gnomAD v4.1: 2 of 1,613,392 alleles (0.00012%); highest among the groups gnomAD compares: Non-Finnish European, 0.00017%; no homozygotes.

Submissions (2):

Labcorp Genetics (formerly Invitae), Labcorp
Classification: Uncertain significance for Leber congenital amaurosis 13. Last evaluated: 2022-02-10. Review status: criteria provided, single submitter. Criteria: Invitae Variant Classification Sherloc (09022015). Collection method: clinical testing. Allele origin: germline.
Comment: This sequence change replaces leucine, which is neutral and non-polar, with proline, which is neutral and non-polar, at codon 214 of the RDH12 protein (p.Leu214Pro). This variant is not present in population databases (gnomAD no frequency). This missense change has been observed in individual(s) with retinal degeneration (PMID: 30372751). ClinVar contains an entry for this variant (Variation ID: 934063). Algorithms developed to predict the effect of missense changes on protein structure and function (SIFT, PolyPhen-2, Align-GVGD) all suggest that this variant is likely to be disruptive. In summary, the available evidence is currently insufficient to determine the role of this variant in disease. Therefore, it has been classified as a Variant of Uncertain Significance.

Natera, Inc.
Classification: Uncertain significance for Leber congenital amaurosis. Last evaluated: 2020-11-04. Review status: no assertion criteria provided. Collection method: clinical testing. Allele origin: germline. Not counted in ClinVar's aggregate classification.

Literature cited by the submitters: PubMed 30372751 (cited by Labcorp Genetics (formerly Invitae), Labcorp).

NM_152443.3(RDH12):c.641T>C (p.Leu214Pro)

Genes: GPHN (gephyrin; plus strand), RDH12 (retinol dehydrogenase 12; plus strand). Cytogenetic location: 14q24.1.
Variant type: single nucleotide variant.
Coding change: c.641T>C on transcript NM_152443.3 (MANE Select); coding-DNA position 641, T replaced by C.
Protein change: p.Leu214Pro; replaces leucine 214 with proline.
Molecular consequence: missense variant.
Genome position (GRCh38, 1-based): chr14:67,727,173, T>C. VCF-style: chr14-67727173-T-C. GRCh37 (hg19) VCF-style: chr14-68193890-T-C.
Other names: short protein forms L214P.
Identifiers: ClinVar variation 934063 (VCV000934063.8), dbSNP rs998898101, ClinGen allele CA262809313.